The following is an entry in ClinVar:

ClinVar aggregate classification (germline): Uncertain significance (1 of 4 stars; one submission).

Submission:

Labcorp Genetics (formerly Invitae), Labcorp
Classification: Uncertain significance. Last evaluated: 2024-05-28. Review status: criteria provided, single submitter. Criteria: Invitae Variant Classification Sherloc (09022015). Collection method: clinical testing. Allele origin: germline.
Comment: This sequence change affects a donor splice site in intron 3 of the CAMK2B gene. It is expected to disrupt RNA splicing. Variants that disrupt the donor or acceptor splice site typically lead to a loss of protein function (PMID: 16199547), however the current clinical and genetic evidence is not sufficient to establish whether loss-of-function variants in CAMK2B cause disease. This variant is not present in population databases (gnomAD no frequency). This variant has not been reported in the literature in individuals affected with CAMK2B-related conditions. Algorithms developed to predict the effect of sequence changes on RNA splicing suggest that this variant may disrupt the consensus splice site. In summary, the available evidence is currently insufficient to determine the role of this variant in disease. Therefore, it has been classified as a Variant of Uncertain Significance.

Literature cited by the submitters: PubMed 16199547.

NM_001220.5(CAMK2B):c.220+1G>A

Gene: CAMK2B (calcium/calmodulin dependent protein kinase II beta; minus strand). Cytogenetic location: 7p13.
Variant type: single nucleotide variant.
Coding change: c.220+1G>A on transcript NM_001220.5 (MANE Select); the canonical splice donor site of the intron after coding-DNA position 220, G replaced by A.
Molecular consequence: splice donor variant.
Genome position (GRCh38, 1-based): chr7:44,263,004, C>T on the plus strand (G>A on the coding strand, the complement: CAMK2B is on the minus strand). VCF-style: chr7-44263004-C-T. GRCh37 (hg19) VCF-style: chr7-44302603-C-T.
Other names: c.220+1G>A (NM_172084.3, NM_172080.3, NM_172083.3 and 5 more transcripts).
Identifiers: ClinVar variation 3654097 (VCV003654097.2).